The following is an entry in ClinVar:

ClinVar aggregate classification (germline): Uncertain significance (1 of 4 stars; one submission).

Conditions:
Hereditary cancer-predisposing syndrome. Also called: Neoplastic Syndromes, Hereditary; Tumor predisposition; Hereditary Cancer Syndrome; Hereditary neoplastic syndrome. Identifiers: Orphanet 140162, MedGen C0027672, MeSH D009386, MONDO:0015356.

Submission:

Ambry Genetics
Classification: Uncertain significance for Hereditary cancer-predisposing syndrome. Last evaluated: 2024-09-03. Review status: criteria provided, single submitter. Criteria: Ambry Variant Classification Scheme 2023. Collection method: clinical testing. Allele origin: germline.
Comment: The p.L1489S variant (also known as c.4466T>C), located in coding exon 15 of the APC gene, results from a T to C substitution at nucleotide position 4466. The leucine at codon 1489 is replaced by serine, an amino acid with dissimilar properties. This amino acid position is well conserved in available vertebrate species. In addition, in silico predictors for this gene do not accurately predict pathogenicity. Missense alterations in APC are not a common cause of disease (Spier I et al. Genet Med. 2024 Feb;26(2):100992). Based on the available evidence, the clinical significance of this variant remains unclear.

NM_000038.6(APC):c.4466T>C (p.Leu1489Ser)

Gene: APC (APC regulator of Wnt signaling pathway; plus strand). Cytogenetic location: 5q22.2.
Variant type: single nucleotide variant.
Coding change: c.4466T>C on transcript NM_000038.6 (MANE Select); coding-DNA position 4466, T replaced by C.
Protein change: p.Leu1489Ser; replaces leucine 1489 with serine.
Molecular consequence: missense variant. On other transcripts: non-coding transcript variant (2).
Genome position (GRCh38, 1-based): chr5:112,840,060, T>C. VCF-style: chr5-112840060-T-C. GRCh37 (hg19) VCF-style: chr5-112175757-T-C.
Other names: c.4466T>C, p.Leu1489Ser (NM_001127510.3, NM_001354895.2, NM_001407450.1); c.4412T>C, p.Leu1471Ser (NM_001127511.3); c.4520T>C, p.Leu1507Ser (NM_001354896.2, NM_001407447.1, NM_001407448.1 and 1 more transcripts); c.4496T>C, p.Leu1499Ser (NM_001354897.2); c.4391T>C, p.Leu1464Ser (NM_001354898.2); c.4382T>C, p.Leu1461Ser (NM_001354899.2); c.4343T>C, p.Leu1448Ser (NM_001354900.2); c.4289T>C, p.Leu1430Ser (NM_001354901.2, NM_001407453.1); and 11 more; short protein forms L1105S, L1206S, L1329S, L1398S, L1430S, L1471S, L1479S, L1517S.
Identifiers: ClinVar variation 3410424 (VCV003410424.1).